The following is an entry in ClinVar:

NM_000077.5(CDKN2A):c.458-526_458-517del

Gene: CDKN2A (cyclin dependent kinase inhibitor 2A; minus strand). Cytogenetic location: 9p21.3.
Variant type: Deletion.
Coding change: c.458-526_458-517del on transcript NM_000077.5 (MANE Select); 526 bases into the intron before coding-DNA position 458 through 517 bases into the intron before coding-DNA position 458, 10 bases deleted (TGATCGGAAA; older notation c.458-526_458-517delTGATCGGAAA).
Molecular consequence: intron variant.
Genome position (GRCh38, 1-based): chr9:21,968,759-21,968,768, TTTCCGATCA deleted on the plus strand (TGATCGGAAA on the coding strand, the reverse complement: CDKN2A is on the minus strand); deleting any 10 consecutive bases within chr9:21,968,759-21,968,772 gives the same sequence; the c. name uses the placement nearest the transcript's 3' end. VCF-style (leftmost placement, unchanged base first): chr9-21968758-GTTTCCGATCA-G. GRCh37 (hg19) VCF-style: chr9-21968757-GTTTCCGATCA-G.
Other names: c.305-526_305-517del (NM_001363763.2); c.*102-526_*102-517del (NM_058195.4); c.*381-526_*381-517del (NM_058197.5).
Identifiers: ClinVar variation 4988209 (VCV004988209.1).

ClinVar aggregate classification (germline): Likely benign (1 of 4 stars; one submission).

Conditions:
CDKN2A-related disorder. Also called: CDKN2A-related condition.

Submission:

PreventionGenetics, part of Exact Sciences
Classification: Likely benign for CDKN2A-related condition. Last evaluated: 2026-01-07. Review status: criteria provided, single submitter. Criteria: ACMG Guidelines, 2015. Collection method: clinical testing. Allele origin: germline.
Comment: This variant is classified as likely benign based on ACMG/AMP sequence variant interpretation guidelines (Richards et al. 2015 PMID: 25741868, with internal and published modifications).